The following is an entry in ClinVar:

NM_002496.4(NDUFS8):c.-16GCG[2]

Genes: NDUFS8 (NADH:ubiquinone oxidoreductase core subunit S8; plus strand), LOC130006236 (ATAC-STARR-seq lymphoblastoid active region 5129; plus strand). Cytogenetic location: 11q13.2.
Variant type: Microsatellite.
Coding change: c.-16GCG[2] on transcript NM_002496.4 (MANE Select); two copies in a row of the 3-base unit GCG starting at c.-16; the reference has three copies in a row; one copy, 3 bases deleted.
Molecular consequence: 5 prime UTR variant.
Genome position (GRCh38, 1-based): chr11:68,030,724-68,030,726, GCG deleted; deleting any 3 consecutive bases within chr11:68,030,718-68,030,726 gives the same sequence; the position shown is the placement nearest the transcript's 3' end. VCF-style (leftmost placement, unchanged base first): chr11-68030717-AGCG-A. GRCh37 (hg19) VCF-style: chr11-67798184-AGCG-A.
Identifiers: ClinVar variation 514263 (VCV000514263.1), dbSNP rs1184588939, ClinGen allele CA599938289.
Genomic context (GRCh38, chr11:68,030,717, plus strand): 5'-GCAGCGTCCTACAGTGTAGCCTCCGCCTCCCGATTGACTGGCCTGCTTGGCAAGGCAAGT[AGCG>A]GCGGCGCTTCAAGGTGGGTGTTCACGTTTTGGCCGTGAAAGTCGGGCTTGGGCAGCGTGG-3'

ClinVar aggregate classification (germline): Likely benign (1 of 4 stars; one submission).

Submission:

GeneDx
Classification: Likely benign. Last evaluated: 2018-01-05. Review status: criteria provided, single submitter. Criteria: GeneDx Variant Classification (06012015). Collection method: clinical testing. Allele origin: germline. Affected: yes.
Comment: This variant is considered likely benign or benign based on one or more of the following criteria: it is a conservative change, it occurs at a poorly conserved position in the protein, it is predicted to be benign by multiple in silico algorithms, and/or has population frequency not consistent with disease.